The following is an entry in ClinVar:

ClinVar aggregate classification (germline): Uncertain significance (1 of 4 stars; one submission).

Allele frequency attached by ClinVar (database versions not stated): gnomAD exomes below 0.00001; ExAC 0.00002.
gnomAD v4.1: 2 of 1,614,156 alleles (0.00012%); highest among the groups gnomAD compares: Non-Finnish European, 0.00017%; no homozygotes.

Submission:

Labcorp Genetics (formerly Invitae), Labcorp
Classification: Uncertain significance. Last evaluated: 2022-10-25. Review status: criteria provided, single submitter. Criteria: Invitae Variant Classification Sherloc (09022015). Collection method: clinical testing. Allele origin: germline.
Comment: In summary, the available evidence is currently insufficient to determine the role of this variant in disease. Therefore, it has been classified as a Variant of Uncertain Significance. Algorithms developed to predict the effect of missense changes on protein structure and function output the following: SIFT: "Tolerated"; PolyPhen-2: "Benign"; Align-GVGD: "Class C0". The valine amino acid residue is found in multiple mammalian species, which suggests that this missense change does not adversely affect protein function. This variant has not been reported in the literature in individuals affected with VCAN-related conditions. This variant is present in population databases (rs767001003, gnomAD 0.002%). This sequence change replaces methionine, which is neutral and non-polar, with valine, which is neutral and non-polar, at codon 436 of the VCAN protein (p.Met436Val).

NM_004385.5(VCAN):c.1306A>G (p.Met436Val)

Gene: VCAN (versican; plus strand). Cytogenetic location: 5q14.3.
Variant type: single nucleotide variant.
Coding change: c.1306A>G on transcript NM_004385.5 (MANE Select); coding-DNA position 1306, A replaced by G.
Protein change: p.Met436Val; replaces methionine 436 with valine.
Molecular consequence: missense variant. On other transcripts: intron variant (2).
Genome position (GRCh38, 1-based): chr5:83,519,612, A>G. VCF-style: chr5-83519612-A-G. GRCh37 (hg19) VCF-style: chr5-82815431-A-G.
Other names: c.1306A>G, p.Met436Val (NM_001164098.2); c.1042+7216A>G (NM_001164097.2, NM_001126336.3); short protein forms M436V.
Identifiers: ClinVar variation 1963967 (VCV001963967.5), dbSNP rs767001003, ClinGen allele CA3332645.